The following is an entry in ClinVar:

NM_000548.5(TSC2):c.2355+5del

Gene: TSC2 (TSC complex subunit 2; plus strand). Cytogenetic location: 16p13.3.
Variant type: Deletion.
Coding change: c.2355+5del on transcript NM_000548.5 (MANE Select); 5 bases into the intron after coding-DNA position 2355, one base deleted (G; older notation c.2355+5delG).
Molecular consequence: intron variant.
Genome position (GRCh38, 1-based): chr16:2,072,988, G deleted; the last of 2 consecutive G bases (chr16:2,072,987-2,072,988); deleting either gives the same sequence. VCF-style (leftmost placement, unchanged base first): chr16-2072986-AG-A. GRCh37 (hg19) VCF-style: chr16-2122987-AG-A.
Other names: c.2355+5del (NM_001114382.3, NM_021055.3, NM_001370405.1 and 3 more transcripts); c.2244+5del (NM_001318827.2); c.1755+5del (NM_001318831.2); c.2208+5del (NM_001318829.2); c.2388+5del (NM_001318832.2).
Identifiers: ClinVar variation 1446230 (VCV001446230.6), dbSNP rs2151329225, ClinGen allele CA2573151626.

ClinVar aggregate classification (germline): Uncertain significance (1 of 4 stars; one submission).

Conditions:
Tuberous sclerosis 2 (TSC2). Identifiers: Orphanet 805, MedGen C1860707, MONDO:0013199, OMIM 613254.

Submission:

Labcorp Genetics (formerly Invitae), Labcorp
Classification: Uncertain significance for Tuberous sclerosis 2. Last evaluated: 2024-01-02. Review status: criteria provided, single submitter. Criteria: Invitae Variant Classification Sherloc (09022015). Collection method: clinical testing. Allele origin: germline.
Comment: This sequence change falls in intron 21 of the TSC2 gene. It does not directly change the encoded amino acid sequence of the TSC2 protein. It affects a nucleotide within the consensus splice site. This variant is not present in population databases (gnomAD no frequency). This variant has not been reported in the literature in individuals affected with TSC2-related conditions. ClinVar contains an entry for this variant (Variation ID: 1446230). Variants that disrupt the consensus splice site are a relatively common cause of aberrant splicing (PMID: 17576681, 9536098). Algorithms developed to predict the effect of sequence changes on RNA splicing suggest that this variant may disrupt the consensus splice site. In summary, the available evidence is currently insufficient to determine the role of this variant in disease. Therefore, it has been classified as a Variant of Uncertain Significance.

Literature cited by the submitters: PubMed 17576681; PubMed 9536098.